The following is an entry in ClinVar:

ClinVar aggregate classification (germline): Pathogenic (1 of 4 stars; one submission).

Submission:

Labcorp Genetics (formerly Invitae), Labcorp
Classification: Pathogenic. Last evaluated: 2023-04-15. Review status: criteria provided, single submitter. Criteria: Invitae Variant Classification Sherloc (09022015). Collection method: clinical testing. Allele origin: unknown.
Comment: For these reasons, this variant has been classified as Pathogenic. This variant has not been reported in the literature in individuals affected with FMO3-related conditions. This variant is a gross deletion of the genomic region encompassing exon(s) 7 of the FMO3 gene. This deletion is out-of-frame, and is expected to create a premature termination codon and result in an absent or disrupted protein product. Loss-of-function variants in FMO3 are known to be pathogenic (PMID: 20301282).

Literature cited by the submitters: PubMed 20301282.

NC_000001.10:g.(?_171083127)_(171083522_?)del

Gene: FMO3 (flavin containing dimethylaniline monoxygenase 3; plus strand). Cytogenetic location: 1q24.3.
Variant type: Deletion.
Identifiers: ClinVar variation 3247977 (VCV003247977.1).